The following is an entry in ClinVar:

NM_000268.4(NF2):c.1780G>A (p.Glu594Lys)

Gene: NF2 (NF2, moesin-ezrin-radixin like (MERLIN) tumor suppressor; plus strand). Cytogenetic location: 22q12.2.
Variant type: single nucleotide variant.
Coding change: c.1780G>A on transcript NM_000268.4 (MANE Select); coding-DNA position 1780, G replaced by A.
Protein change: p.Glu594Lys; replaces glutamic acid 594 with lysine.
Molecular consequence: missense variant. On other transcripts: synonymous variant (2), 3 prime UTR variant (5), non-coding transcript variant (1).
Genome position (GRCh38, 1-based): chr22:29,694,794, G>A. VCF-style: chr22-29694794-G-A. GRCh37 (hg19) VCF-style: chr22-30090783-G-A.
Other names: c.1666G>A, p.Glu556Lys (NM_001407053.1); c.1657G>A, p.Glu553Lys (NM_001407054.1); c.1654G>A, p.Glu552Lys (NM_001407055.1); c.*52G>A (NM_001407056.1, NM_001407059.1, NM_001407065.1 and 5 more transcripts); c.1645G>A, p.Glu549Lys (NM_001407057.1); c.*67G>A (NM_001407058.1, NM_001407063.1, NM_181832.3); c.1617G>A, p.Lys539= (NM_001407060.1); c.1522G>A, p.Glu508Lys (NM_001407062.1); and 2 more; short protein forms E549K, E552K, E553K, E164K, E508K, E556K, E594K.
Identifiers: ClinVar variation 1779991 (VCV001779991.2), dbSNP rs2518808467, ClinGen allele CA411152357.

ClinVar aggregate classification (germline): Uncertain significance (1 of 4 stars; one submission).

Conditions:
Hereditary cancer-predisposing syndrome. Also called: Neoplastic Syndromes, Hereditary; Tumor predisposition; Hereditary Cancer Syndrome; Hereditary neoplastic syndrome. Identifiers: Orphanet 140162, MedGen C0027672, MeSH D009386, MONDO:0015356.

Submission:

Ambry Genetics
Classification: Uncertain significance for Hereditary cancer-predisposing syndrome. Last evaluated: 2022-04-01. Review status: criteria provided, single submitter. Criteria: Ambry Variant Classification Scheme 2023. Collection method: clinical testing. Allele origin: germline.
Comment: The p.E594K variant (also known as c.1780G>A), located in coding exon 16 of the NF2 gene, results from a G to A substitution at nucleotide position 1780. The glutamic acid at codon 594 is replaced by lysine, an amino acid with similar properties. This amino acid position is conserved. In addition, the in silico prediction for this alteration is inconclusive. Since supporting evidence is limited at this time, the clinical significance of this alteration remains unclear.